The following is an entry in ClinVar:

ClinVar aggregate classification (germline): Pathogenic. Review status: criteria provided, single submitter (1 of 4 stars). 2 submissions from 2 submitters: Pathogenic (1). 1 of the submissions does not count toward it. Last evaluated 2025-09-18.

Conditions:
Intellectual developmental disorder, autosomal dominant 38. Also called: Intellectual disability, autosomal dominant 38; PSYCHOMOTOR RETARDATION, EPILEPSY, AND LANGUAGE DISABILITY SYNDROME. Identifiers: MedGen C4225343, MONDO:0014617, OMIM 616393.

Submissions (2):

Institute of Human Genetics, University of Leipzig Medical Center
Classification: Pathogenic for Intellectual developmental disorder, autosomal dominant 38. Last evaluated: 2025-09-18. Review status: criteria provided, single submitter. Criteria: ACMG Guidelines, 2015. Collection method: clinical testing. Allele origin: unknown. Inheritance: Autosomal dominant inheritance. Affected: yes.
Comment: Criteria applied: PS2_MOD,PM1,PM2,PM5,PS4_SUP,PP2,PP3

Department of Genetics, Robert DEBRE University Hospital
Classification: Likely pathogenic. Last evaluated: 2018-04-26. Review status: no assertion criteria provided. Collection method: clinical testing. Allele origin: paternal. Affected: yes. Not counted in ClinVar's aggregate classification.

NM_001958.5(EEF1A2):c.286C>T (p.Arg96Cys)

Gene: EEF1A2 (eukaryotic translation elongation factor 1 alpha 2; minus strand). Cytogenetic location: 20q13.33.
Variant type: single nucleotide variant.
Coding change: c.286C>T on transcript NM_001958.5 (MANE Select); coding-DNA position 286, C replaced by T.
Protein change: p.Arg96Cys; replaces arginine 96 with cysteine.
Molecular consequence: missense variant.
Genome position (GRCh38, 1-based): chr20:63,495,894, G>A on the plus strand (C>T on the coding strand, the complement: EEF1A2 is on the minus strand). VCF-style: chr20-63495894-G-A. GRCh37 (hg19) VCF-style: chr20-62127247-G-A.
Other names: short protein forms R96C.
Identifiers: ClinVar variation 2664000 (VCV002664000.2), dbSNP rs865888375, ClinGen allele CA317442674.